The following is an entry in ClinVar:

NM_144997.7(FLCN):c.1354G>A (p.Val452Met)

Gene: FLCN (folliculin; minus strand). Cytogenetic location: 17p11.2.
Variant type: single nucleotide variant.
Coding change: c.1354G>A on transcript NM_144997.7 (MANE Select); coding-DNA position 1354, G replaced by A.
Protein change: p.Val452Met; replaces valine 452 with methionine.
Molecular consequence: missense variant.
Genome position (GRCh38, 1-based): chr17:17,215,263, C>T on the plus strand (G>A on the coding strand, the complement: FLCN is on the minus strand). VCF-style: chr17-17215263-C-T. GRCh37 (hg19) VCF-style: chr17-17118577-C-T.
Other names: c.1408G>A, p.Val470Met (NM_001353229.2); c.1354G>A, p.Val452Met (NM_001353230.2, NM_001353231.2); short protein forms V452M, V470M.
Identifiers: ClinVar variation 1416836 (VCV001416836.12), dbSNP rs763920904, ClinGen allele CA8416021.

ClinVar aggregate classification (germline): Uncertain significance. Review status: criteria provided, multiple submitters, no conflicts (2 of 4 stars). 3 submissions from 3 submitters: Uncertain significance (3). Last evaluated 2025-08-23.

Conditions:
Hereditary cancer-predisposing syndrome. Also called: Hereditary neoplastic syndrome; Neoplastic Syndromes, Hereditary; Hereditary Cancer Syndrome; Tumor predisposition. Identifiers: Orphanet 140162, MedGen C0027672, MeSH D009386, MONDO:0015356.
Birt-Hogg-Dube syndrome. Also called: Birt Hogg Dubé syndrome. Identifiers: Orphanet 122, MedGen C0346010, MONDO:0800444.

Allele frequency attached by ClinVar (database versions not stated): ExAC 0.00001; gnomAD exomes 0.00001.
gnomAD v4.1: 3 of 1,614,200 alleles (0.00019%); highest among the groups gnomAD compares: East Asian, 0.0022%; no homozygotes.

Submissions (3):

Ambry Genetics
Classification: Uncertain significance for Hereditary cancer-predisposing syndrome. Last evaluated: 2025-08-23. Review status: criteria provided, single submitter. Criteria: Ambry Variant Classification Scheme 2023. Collection method: clinical testing. Allele origin: germline.
Comment: The p.V452M variant (also known as c.1354G>A), located in coding exon 9 of the FLCN gene, results from a G to A substitution at nucleotide position 1354. The valine at codon 452 is replaced by methionine, an amino acid with highly similar properties. This amino acid position is not well conserved in available vertebrate species. In addition, this alteration is predicted to be tolerated by in silico analysis. Since supporting evidence is limited at this time, the clinical significance of this alteration remains unclear.

Labcorp Genetics (formerly Invitae), Labcorp
Classification: Uncertain significance for Birt-Hogg-Dube syndrome. Last evaluated: 2023-11-18. Review status: criteria provided, single submitter. Criteria: Invitae Variant Classification Sherloc (09022015). Collection method: clinical testing. Allele origin: germline.
Comment: This sequence change replaces valine, which is neutral and non-polar, with methionine, which is neutral and non-polar, at codon 452 of the FLCN protein (p.Val452Met). This variant is present in population databases (rs763920904, gnomAD 0.006%). This variant has not been reported in the literature in individuals affected with FLCN-related conditions. ClinVar contains an entry for this variant (Variation ID: 1416836). An algorithm developed to predict the effect of missense changes on protein structure and function (PolyPhen-2) suggests that this variant is likely to be tolerated. In summary, the available evidence is currently insufficient to determine the role of this variant in disease. Therefore, it has been classified as a Variant of Uncertain Significance.

GeneDx
Classification: Uncertain significance. Last evaluated: 2021-12-27. Review status: criteria provided, single submitter. Criteria: GeneDx Variant Classification Process June 2021. Collection method: clinical testing. Allele origin: germline. Affected: yes.
Comment: Not observed at significant frequency in large population cohorts (gnomAD); In silico analysis supports that this missense variant does not alter protein structure/function; Has not been previously published as pathogenic or benign to our knowledge; This variant is associated with the following publications: (PMID: 17028174)